The following is an entry in ClinVar:

NM_001197104.2(KMT2A):c.4667_4668del (p.Cys1556fs)

Gene: KMT2A (lysine methyltransferase 2A; plus strand). Cytogenetic location: 11q23.3.
Variant type: Microsatellite.
Coding change: c.4667_4668del on transcript NM_001197104.2 (MANE Select); coding-DNA positions 4667 to 4668, 2 bases deleted (GT; older notation c.4667_4668delGT).
Protein change: p.Cys1556fs; shifts the reading frame from cysteine 1556.
Molecular consequence: frameshift variant.
Genome position (GRCh38, 1-based): chr11:118,490,220-118,490,221, GT deleted; deleting any 2 consecutive bases within chr11:118,490,217-118,490,221 gives the same sequence; the c. name uses the placement nearest the transcript's 3' end. VCF-style (leftmost placement, unchanged base first): chr11-118490216-CTG-C. GRCh37 (hg19) VCF-style: chr11-118360931-CTG-C.
Other names: c.4766_4767del, p.Cys1589fs (NM_001412597.1); c.4667_4668del, p.Cys1556fs (NM_005933.4); short protein forms C1556fs, C1589fs.
Identifiers: ClinVar variation 3381762 (VCV003381762.2).
Genomic context (GRCh38, chr11:118,490,216, plus strand): 5'-AGCTGTGGATCCACAACTCCAGGCAAAGGGTGGGATGCACAGTGGTCTCATGATTTCTCA[CTG>C]TGTCATGATTGCGCCAAGCTCTTTGCTAAAGGTACCCAAAAAAGCCAGTTTTGCCAGCTT-3'

ClinVar aggregate classification (germline): Pathogenic (1 of 4 stars; one submission).

Conditions:
Wiedemann-Steiner syndrome (WDSTS). Also called: Growth deficiency and mental retardation with facial dysmorphism. Identifiers: Orphanet 319182, MedGen C1854630, MONDO:0011518, OMIM 605130.

Submission:

Molecular Genetics Laboratory, Motol Hospital
Classification: Pathogenic for Wiedemann-Steiner syndrome. Last evaluated: 2024-11-27. Review status: criteria provided, single submitter. Criteria: ACMG Guidelines, 2015. Collection method: clinical testing. Allele origin: de novo. Affected: yes. Observed: 1 variant allele.
Comment: The variant was confirmed to be of a de novo origin. Rare truncating variants affecting the KMT2A gene are well documented as a molecular cause of "Wiedemann-Steiner syndrome" (OMIM:605130) (PMID:25810209;22795537;31044088). To conclude, the variant is classified as pathogenic (ACMG PVS1, PM2, PS2).

Literature cited by the submitters: PubMed 25810209; PubMed 22795537; PubMed 31044088.